The following is an entry in ClinVar:

ClinVar aggregate classification (germline): Uncertain significance. Review status: criteria provided, multiple submitters, no conflicts (2 of 4 stars). 4 submissions from 4 submitters: Uncertain significance (4). Last evaluated 2026-03-21.

Conditions:
Familial thoracic aortic aneurysm and aortic dissection (TAAD). Also called: Thoracic aortic aneurysms and dissections. Identifiers: Orphanet 91387, MedGen C4707243, MONDO:0019625.
Aortic aneurysm, familial thoracic 4 (AAT4). Also called: AORTIC ANEURYSM/AORTIC DISSECTION AND PATENT DUCTUS ARTERIOSUS. Identifiers: MedGen C1851504, MONDO:0007568, OMIM 132900.

gnomAD v4.1: 2 of 1,614,188 alleles (0.00012%); no homozygotes.

Submissions (4):

Ambry Genetics
Classification: Uncertain significance for Familial thoracic aortic aneurysm and aortic dissection. Last evaluated: 2026-03-21. Review status: criteria provided, single submitter. Criteria: Ambry Variant Classification Scheme 2023. Collection method: clinical testing. Allele origin: germline.
Comment: The p.E1828K variant (also known as c.5482G>A), located in coding exon 37 of the MYH11 gene, results from a G to A substitution at nucleotide position 5482. The glutamic acid at codon 1828 is replaced by lysine, an amino acid with similar properties. This amino acid position is conserved. In addition, the in silico prediction for this alteration is inconclusive. Based on the available evidence, the clinical significance of this variant remains unclear.

Labcorp Genetics (formerly Invitae), Labcorp
Classification: Uncertain significance for Aortic aneurysm, familial thoracic 4. Last evaluated: 2026-01-21. Review status: criteria provided, single submitter. Criteria: Invitae Variant Classification Sherloc (09022015). Collection method: clinical testing. Allele origin: germline.
Comment: This sequence change replaces glutamic acid, which is acidic and polar, with lysine, which is basic and polar, at codon 1835 of the MYH11 protein (p.Glu1835Lys). This variant is not present in population databases (gnomAD no frequency). This variant has not been reported in the literature in individuals affected with MYH11-related conditions. ClinVar contains an entry for this variant (Variation ID: 2773788). Invitae Evidence Modeling of protein sequence and biophysical properties (such as structural, functional, and spatial information, amino acid conservation, physicochemical variation, residue mobility, and thermodynamic stability) indicates that this missense variant is not expected to disrupt MYH11 protein function with a negative predictive value of 95%. In summary, the available evidence is currently insufficient to determine the role of this variant in disease. Therefore, it has been classified as a Variant of Uncertain Significance.

All of Us Research Program, National Institutes of Health
Classification: Uncertain significance for Familial thoracic aortic aneurysm and aortic dissection. Last evaluated: 2024-03-05. Review status: criteria provided, single submitter. Criteria: ACMG Guidelines, 2015. Collection method: clinical testing. Allele origin: germline. Inheritance: Autosomal dominant inheritance. Observed: 2 variant alleles, 2 heterozygotes.
Comment: This missense variant replaces glutamic acid with lysine at codon 1835 of the MYH11 protein. Computational prediction is inconclusive regarding the impact of this variant on protein structure and function (internally defined REVEL score threshold 0.5 < inconclusive < 0.7, PMID: 27666373). To our knowledge, functional studies have not been reported for this variant. This variant has not been reported in individuals affected with MYH11-related disorders in the literature. This variant has not been identified in the general population by the Genome Aggregation Database (gnomAD). The available evidence is insufficient to determine the role of this variant in disease conclusively. Therefore, this variant is classified as a Variant of Uncertain Significance.

This study involves interpretation of variants in research participants for the purpose of population health screening. Participant phenotype was not available at the time of variant classification. Additional details can be found in publication PMID: 35346344, PMCID: PMC8962531

Color Diagnostics, LLC DBA Color Health
Classification: Uncertain significance for Familial thoracic aortic aneurysm and aortic dissection. Last evaluated: 2022-11-16. Review status: criteria provided, single submitter. Criteria: ACMG Guidelines, 2015. Collection method: clinical testing. Allele origin: germline.
Comment: This missense variant replaces glutamic acid with lysine at codon 1835 of the MYH11 protein. Computational prediction is inconclusive regarding the impact of this variant on protein structure and function (internally defined REVEL score threshold 0.5 < inconclusive < 0.7, PMID: 27666373). To our knowledge, functional studies have not been reported for this variant. This variant has not been reported in individuals affected with MYH11-related disorders in the literature. This variant has not been identified in the general population by the Genome Aggregation Database (gnomAD). The available evidence is insufficient to determine the role of this variant in disease conclusively. Therefore, this variant is classified as a Variant of Uncertain Significance.

NM_002474.3(MYH11):c.5482G>A (p.Glu1828Lys)

Genes: MYH11 (myosin heavy chain 11; minus strand), NDE1 (nudE neurodevelopment protein 1; plus strand). Cytogenetic location: 16p13.11.
Variant type: single nucleotide variant.
Coding change: c.5482G>A on transcript NM_002474.3 (MANE Select); coding-DNA position 5482, G replaced by A.
Protein change: p.Glu1828Lys; replaces glutamic acid 1828 with lysine.
Molecular consequence: missense variant. On other transcripts: intron variant (2).
Genome position (GRCh38, 1-based): chr16:15,717,162, C>T on the plus strand (G>A on the coding strand, the complement: MYH11 is on the minus strand). VCF-style: chr16-15717162-C-T. GRCh37 (hg19) VCF-style: chr16-15811019-C-T.
Other names: c.5503G>A, p.Glu1835Lys (NM_001040113.2, NM_001040114.2); c.5482G>A, p.Glu1828Lys (NM_022844.3); c.948-7029C>T (NM_001143979.2, NM_017668.3); c.5482G>A (NM_002474.2); short protein forms E1828K, E1835K.
Identifiers: ClinVar variation 2773788 (VCV002773788.8), dbSNP rs1596704207, ClinGen allele CA394848805.
Genomic context (GRCh38, chr16:15,717,162, plus strand): 5'-CCCCTGCAAACTGGGTTCGGAACTCCACACCCGCATACCTGGCCTCCTGCTCGACCTGCT[C>T]CTCCAGCTGTGCAATCTTGGCCTCCAGCGCCGCGATGGTGGACTTGAACTTGGACTTGAC-3'
Protein context (NP_002465.1, residues 1818-1838): ALEAKIAQLE[Glu1828Lys]QVEQEAREKQ